The following is an entry in ClinVar:

NM_000256.3(MYBPC3):c.165C>A (p.Tyr55Ter)

Gene: MYBPC3 (myosin binding protein C3; minus strand). Cytogenetic location: 11p11.2.
Variant type: single nucleotide variant.
Coding change: c.165C>A on transcript NM_000256.3 (MANE Select); coding-DNA position 165, C replaced by A.
Protein change: p.Tyr55Ter; replaces tyrosine 55 with a stop codon.
Molecular consequence: nonsense.
Genome position (GRCh38, 1-based): chr11:47,351,366, G>T on the plus strand (C>A on the coding strand, the complement: MYBPC3 is on the minus strand). VCF-style: chr11-47351366-G-T. GRCh37 (hg19) VCF-style: chr11-47372917-G-T.
Other names: c.165C>A, p.Tyr55Ter (LRG_386t1); short protein forms Y55*.
Identifiers: ClinVar variation 488847 (VCV000488847.4), dbSNP rs780012957, ClinGen allele CA380341794.

ClinVar aggregate classification (germline): Pathogenic/Likely pathogenic. Review status: criteria provided, multiple submitters, no conflicts (2 of 4 stars). 3 submissions from 3 submitters: Pathogenic (1); Likely pathogenic (2). Last evaluated 2025-11-25.

Conditions:
Hypertrophic cardiomyopathy. Also called: HYPERTROPHIC MYOCARDIOPATHY. Identifiers: Orphanet 217569, MedGen C0007194, MeSH D002312, MONDO:0005045, HP:0001639.
MYBPC3-related disorder. Also called: MYBPC3-related condition; MYBPC3-related disease; MYBPC3-related disorders.

Submissions (3):

Labcorp Genetics (formerly Invitae), Labcorp
Classification: Pathogenic for Hypertrophic cardiomyopathy. Last evaluated: 2025-11-25. Review status: criteria provided, single submitter. Criteria: Invitae Variant Classification Sherloc (09022015). Collection method: clinical testing. Allele origin: germline.
Comment: This sequence change creates a premature translational stop signal (p.Tyr55*) in the MYBPC3 gene. It is expected to result in an absent or disrupted protein product. Loss-of-function variants in MYBPC3 are known to be pathogenic (PMID: 19574547). This variant is not present in population databases (gnomAD no frequency). This variant has not been reported in the literature in individuals affected with MYBPC3-related conditions. ClinVar contains an entry for this variant (Variation ID: 488847). For these reasons, this variant has been classified as Pathogenic.

Blueprint Genetics
Classification: Likely pathogenic for MYBPC3-related disorders. Last evaluated: 2024-10-16. Review status: criteria provided, single submitter. Criteria: ACMG Guidelines, 2015. Collection method: clinical testing. Allele origin: germline. Affected: yes. Observed: 2 variant alleles.

GeneDx
Classification: Likely pathogenic. Last evaluated: 2015-11-24. Review status: criteria provided, single submitter. Criteria: GeneDx Variant Classification (06012015). Collection method: clinical testing. Allele origin: germline. Affected: yes.
Comment: The Y55X variant has not been published as a pathogenic variant or been reported as a benign variant to our knowledge. Y55X is predicted to cause loss of normal protein function either by protein truncation or nonsense-mediated mRNA decay. Other nonsense variants in the MYBPC3 gene have been reported in the Human Gene Mutation Database in association with cardiomyopathy (Stenson et al., 2014). Furthermore, the Y55X likely pathogenic variant was not observed in approximately 6,500 individuals of European and African American ancestry in the NHLBI Exome Sequencing Project, indicating it is not a common benign variant in these populations.In summary, Y55X in the MYBPC3 gene is expected to be pathogenic

Literature cited by the submitters: PubMed 19574547 (cited by Labcorp Genetics (formerly Invitae), Labcorp).